The following is an entry in ClinVar:

NM_002025.4:c.1350_1397+1491del

Gene: AFF2 (ALF transcription elongation factor 2; plus strand).
Variant type: Deletion.
Other names: c.1350_1397+1491del (NM_002025.4).
Identifiers: ClinVar variation 4279015 (VCV004279015.1).

ClinVar aggregate classification (germline): Pathogenic (1 of 4 stars; one submission).

Conditions:
FRAXE. Also called: Fragile XE syndrome; FRAXE Syndrome; FRAXE intellectual disability; Intellectual disability, X-linked, FRAXE type; Intellectual developmental disorder, X-linked 109. Identifiers: Orphanet 100973, MedGen C0751157, MONDO:0010659, OMIM 309548. Disease mechanism: loss of function.

Submission:

Institute of Human Genetics, University of Leipzig Medical Center
Classification: Pathogenic for FRAXE. Last evaluated: 2025-08-20. Review status: criteria provided, single submitter. Criteria: ACMG Guidelines, 2015. Collection method: clinical testing. Allele origin: unknown. Inheritance: X-linked recessive inheritance. Affected: yes.
Comment: Criteria applied: PSV1, PP2